The following is an entry in ClinVar:

ClinVar aggregate classification (germline): Uncertain significance. Review status: criteria provided, multiple submitters, no conflicts (2 of 4 stars). 13 submissions from 13 submitters: Uncertain significance (13). Last evaluated 2025-11-05.

Conditions:
CHEK2-related disorder.
Hereditary cancer-predisposing syndrome. Also called: Tumor predisposition; Neoplastic Syndromes, Hereditary; Hereditary Cancer Syndrome; Hereditary neoplastic syndrome. Identifiers: Orphanet 140162, MedGen C0027672, MeSH D009386, MONDO:0015356.
Familial cancer of breast. Also called: hereditary breast carcinoma; BREAST CANCER, FAMILIAL; Hereditary breast cancer. Identifiers: Orphanet 227535, MedGen C0346153, MONDO:0016419, OMIM 114480. Disease mechanism: loss of function.

Allele frequency attached by ClinVar (database versions not stated): ExAC 0.00001; gnomAD 0.00003 and 0.00004; gnomAD exomes 0.00004; TOPMed 0.00011.
gnomAD v4.1: 20 of 1,612,008 alleles (0.0012%); highest among the groups gnomAD compares: Admixed American, 0.02%; no homozygotes.

Submissions (13):

Labcorp Genetics (formerly Invitae), Labcorp
Classification: Uncertain significance for Familial cancer of breast. Last evaluated: 2025-11-05. Review status: criteria provided, single submitter. Criteria: Invitae Variant Classification Sherloc (09022015). Collection method: clinical testing. Allele origin: germline.
Comment: This sequence change replaces methionine, which is neutral and non-polar, with valine, which is neutral and non-polar, at codon 304 of the CHEK2 protein (p.Met304Val). This variant is present in population databases (rs769436449, gnomAD 0.02%). This missense change has been observed in individual(s) with breast cancer (PMID: 38061684, 39148954). ClinVar contains an entry for this variant (Variation ID: 186170). An algorithm developed to predict the effect of missense changes on protein structure and function (PolyPhen-2) suggests that this variant is likely to be tolerated. In summary, the available evidence is currently insufficient to determine the role of this variant in disease. Therefore, it has been classified as a Variant of Uncertain Significance.

Dasa
Classification: Uncertain significance. Last evaluated: 2025-07-21. Review status: criteria provided, single submitter. Criteria: DASA Assertion Criteria. Collection method: clinical testing. Allele origin: germline.
Comment: NM_007194.4(CHEK2):c.910A>G (p.Met304Val) is a missense variant that results in the substitution of methionine with valine. This variant is rare in population databases. Computational prediction algorithms are consistent with a benign effect. The currently available literature and clinical evidence are not sufficient to establish a definitive association between this variant and the reported condition. Therefore, this variant is classified as a variant of uncertain significance.

Women's Health and Genetics/Laboratory Corporation of America, LabCorp
Classification: Uncertain significance. Last evaluated: 2025-02-03. Review status: criteria provided, single submitter. Criteria: LabCorp Variant Classification Summary - May 2015. Collection method: clinical testing. Allele origin: germline.
Comment: Variant summary: CHEK2 c.910A>G (p.Met304Val) results in a conservative amino acid change located in the Protein kinase domain (IPR000719) of the encoded protein sequence. Four of five in-silico tools predict a benign effect of the variant on protein function. The variant allele was found at a frequency of 3.6e-05 in 250794 control chromosomes. The available data on variant occurrences in the general population are insufficient to allow any conclusion about variant significance. c.910A>G has been reported in the literature in individuals affected with Hereditary Breast And Ovarian Cancer Syndrome and/or colorectal cancer (Infante_2024). These report(s) do not provide unequivocal conclusions about association of the variant with Hereditary Breast And Ovarian Cancer Syndrome. To our knowledge, no experimental evidence demonstrating an impact on protein function has been reported. The following publication has been ascertained in the context of this evaluation (PMID: 38061684). ClinVar contains an entry for this variant (Variation ID: 186170). Based on the evidence outlined above, the variant was classified as uncertain significance.

Color Diagnostics, LLC DBA Color Health
Classification: Uncertain significance for Hereditary cancer-predisposing syndrome. Last evaluated: 2024-12-23. Review status: criteria provided, single submitter. Criteria: ACMG Guidelines, 2015. Collection method: clinical testing. Allele origin: germline.
Comment: This missense variant replaces methionine with valine at codon 304 of the CHEK2 protein. Computational prediction suggests that this variant may not impact protein structure and function. To our knowledge, functional studies have not been reported for this variant. This variant has been reported in individuals affected with breast and or ovarian cancer (PMID: 28779002, 31206626, 33471991). This variant has been identified in 9/250794 chromosomes in the general population by the Genome Aggregation Database (gnomAD). The available evidence is insufficient to determine the role of this variant in disease conclusively. Therefore, this variant is classified as a Variant of Uncertain Significance.

Ambry Genetics
Classification: Uncertain significance for Hereditary cancer-predisposing syndrome. Last evaluated: 2024-10-07. Review status: criteria provided, single submitter. Criteria: Ambry Variant Classification Scheme 2023. Collection method: clinical testing. Allele origin: germline.
Comment: The p.M304V variant (also known as c.910A>G), located in coding exon 8 of the CHEK2 gene, results from an A to G substitution at nucleotide position 910. The methionine at codon 304 is replaced by valine, an amino acid with highly similar properties. This alteration has been reported in at least one subject in a study of 13087 breast cancer cases and 5488 control individuals in the UK (Decker B et al. J. Med. Genet., 2017 11;54:732-741). This alteration was also identified in an individual diagnosed with breast and/or ovarian cancer (Weitzel JN et al. Cancer, 2019 08;125:2829-2836). This amino acid position is highly conserved in available vertebrate species. In addition, the in silico prediction for this alteration is inconclusive. Based on the available evidence, the clinical significance of this variant remains unclear.

Blueprint Genetics
Classification: Uncertain significance. Last evaluated: 2023-12-18. Review status: criteria provided, single submitter. Criteria: ACMG Guidelines, 2015. Collection method: clinical testing. Allele origin: germline.

Baylor Genetics
Classification: Uncertain significance for Familial cancer of breast. Last evaluated: 2023-12-12. Review status: criteria provided, single submitter. Criteria: ACMG Guidelines, 2015. Collection method: clinical testing. Allele origin: unknown.

GeneDx
Classification: Uncertain significance. Last evaluated: 2023-11-13. Review status: criteria provided, single submitter. Criteria: GeneDx Variant Classification Process June 2021. Collection method: clinical testing. Allele origin: germline. Affected: yes.
Comment: Not observed at significant frequency in large population cohorts (gnomAD); In silico analysis supports that this missense variant does not alter protein structure/function; This variant is associated with the following publications: (PMID: 16794575, 33471991, 22419737, 19782031, 31206626, 28779002)

PreventionGenetics, part of Exact Sciences
Classification: Uncertain significance for CHEK2-related condition. Last evaluated: 2023-09-28. Review status: criteria provided, single submitter. Criteria: ACMG Guidelines, 2015. Collection method: clinical testing. Allele origin: germline.
Comment: The CHEK2 c.910A>G variant is predicted to result in the amino acid substitution p.Met304Val. This variant has been reported in breast cancer cohort studies (Supplement, Decker et al. 2017. PubMed ID: 28779002; Table S3, Weitzel et al. 2019. PubMed ID: 31206626). This variant is reported in 0.023% of alleles in individuals of Latino descent in gnomAD. It is interpreted as uncertain significance in ClinVar. At this time, the clinical significance of this variant is uncertain due to the absence of conclusive functional and genetic evidence.

CeGaT Center for Human Genetics Tuebingen
Classification: Uncertain significance. Last evaluated: 2022-09-01. Review status: criteria provided, single submitter. Criteria: CeGaT Center For Human Genetics Tuebingen Variant Classification Criteria Version 2. Collection method: clinical testing. Allele origin: germline. Affected: yes. Observed: 1 variant allele.

Sema4
Classification: Uncertain significance for Hereditary cancer-predisposing syndrome. Last evaluated: 2021-07-12. Review status: criteria provided, single submitter. Criteria: Sema4 Curation Guidelines. Collection method: curation. Allele origin: germline.
Comment: The CHEK2 c.910A>G (p.M304V) variant has been reported in individuals with breast cancer (PMID: 33471991, 28779002). It was observed in 8/34440 chromosomes of the Latino subpopulation in the large and broad cohorts of the Genome Aggregation Database (PMID: 32461654). The variant has been reported in ClinVar (Variation ID 186170). In silico tools suggest the impact of the variant on protein function is inconclusive though these predictions have not been confirmed by functional studies. The evidence is insufficient to meet ACMG/AMP criteria for classifying the variant as benign or pathogenic. Thus, the clinical significance of this variant is currently uncertain.

Quest Diagnostics Nichols Institute San Juan Capistrano
Classification: Uncertain significance. Last evaluated: 2021-06-01. Review status: criteria provided, single submitter. Criteria: Quest Diagnostics criteria. Collection method: clinical testing. Allele origin: unknown.

Mendelics
Classification: Uncertain significance for Familial cancer of breast. Last evaluated: 2018-07-02. Review status: criteria provided, single submitter. Criteria: Mendelics Assertion Criteria 2017. Collection method: clinical testing. Allele origin: unknown.

Literature cited by the submitters: PubMed 38061684 (cited by Labcorp Genetics (formerly Invitae), Labcorp and Women's Health and Genetics/Laboratory Corporation of America, LabCorp); PubMed 39148954 (cited by Labcorp Genetics (formerly Invitae), Labcorp and Women's Health and Genetics/Laboratory Corporation of America, LabCorp); PubMed 28779002 (cited by 4 submitters); PubMed 31206626 (cited by Color Diagnostics, LLC DBA Color Health and Ambry Genetics); PubMed 33471991 (cited by Color Diagnostics, LLC DBA Color Health and Sema4).

NM_007194.4(CHEK2):c.910A>G (p.Met304Val)

Gene: CHEK2 (checkpoint kinase 2; minus strand). Cytogenetic location: 22q12.1.
Variant type: single nucleotide variant.
Coding change: c.910A>G on transcript NM_007194.4 (MANE Select); coding-DNA position 910, A replaced by G.
Protein change: p.Met304Val; replaces methionine 304 with valine.
Molecular consequence: missense variant.
Genome position (GRCh38, 1-based): chr22:28,699,936, T>C on the plus strand (A>G on the coding strand, the complement: CHEK2 is on the minus strand). VCF-style: chr22-28699936-T-C. GRCh37 (hg19) VCF-style: chr22-29095924-T-C.
Other names: c.1039A>G, p.Met347Val (NM_001005735.3); c.247A>G, p.Met83Val (NM_001257387.3); c.709A>G, p.Met237Val (NM_001349956.3); c.910A>G, p.Met304Val (NM_145862.3); short protein forms M304V, M237V, M347V, M83V.
Identifiers: ClinVar variation 186170 (VCV000186170.60), dbSNP rs769436449, ClinGen allele CA194052.
Genomic context (GRCh38, chr22:28,699,936, plus strand): 5'-AGGTAGCTTCTTTCAGGCGTTTATTCCCCACCACTTTGTCAAACAGCTCTCCCCCTTCCA[T>C]CCTGAAACACAAAGGCAAGGCAAGGGGTTCATTCCTGGGGGAAAACGCACTTGGACAGAA-3'
Protein context (NP_009125.1, residues 294-314): AEDYYIVLEL[Met304Val]EGGELFDKVV